The following is an entry in ClinVar:

ClinVar aggregate classification (germline): Pathogenic (1 of 4 stars; one submission).

Conditions:
Medium-chain acyl-coenzyme A dehydrogenase deficiency (ACADMD). Also called: MCAD Deficiency; CARNITINE DEFICIENCY SECONDARY TO MEDIUM-CHAIN ACYL-CoA DEHYDROGENASE DEFICIENCY; MCADH DEFICIENCY; ACADM DEFICIENCY; MCADD; Medium chain acyl-CoA dehydrogenase deficiency. Identifiers: Orphanet 42, MedGen C0220710, MONDO:0008721, OMIM 201450.

Submission:

Natera, Inc.
Classification: Pathogenic for Medium Chain Acyl-CoA Dehydrogenase Deficiency. Last evaluated: 2025-04-01. Review status: criteria provided, single submitter. Criteria: Natera Variant Classification Schema (03/2026). Collection method: clinical testing. Allele origin: germline.
Comment: The c.694C>T variant in ACADM is a nonsense variant predicted to introduce a stop codon at amino acid 232. This variant is expected to result in nonsense mediated decay, truncation, or a dysfunctional protein product. This variant is rare in the general population with a frequency below the threshold expected for the associated phenotype(s). This variant has been observed in one or more individuals affected with the associated recessive disease, as either homozygous or compound heterozygous with a second variant (PMID: 16291504). Given the available evidence, this variant is classified as Pathogenic.

Literature cited by the submitters: PubMed 16291504.

NM_000016.6(ACADM):c.694C>T (p.Gln232Ter)

Gene: ACADM (acyl-CoA dehydrogenase medium chain; plus strand). Cytogenetic location: 1p31.1.
Variant type: single nucleotide variant.
Coding change: c.694C>T on transcript NM_000016.6 (MANE Select); coding-DNA position 694, C replaced by T.
Protein change: p.Gln232Ter; replaces glutamine 232 with a stop codon.
Molecular consequence: nonsense.
Genome position (GRCh38, 1-based): chr1:75,745,900, C>T. VCF-style: chr1-75745900-C-T. GRCh37 (hg19) VCF-style: chr1-76211585-C-T.
Other names: c.706C>T, p.Gln236Ter (NM_001127328.3); c.586C>T, p.Gln196Ter (NM_001286042.2); c.793C>T, p.Gln265Ter (NM_001286043.2); c.127C>T, p.Gln43Ter (NM_001286044.2); short protein forms Q196*, Q232*, Q236*, Q265*, Q43*.
Identifiers: ClinVar variation 4815813 (VCV004815813.1).